The following is an entry in ClinVar:

NM_001754.5(RUNX1):c.1081A>G (p.Thr361Ala)

Gene: RUNX1 (RUNX family transcription factor 1; minus strand). Cytogenetic location: 21q22.12.
Variant type: single nucleotide variant.
Coding change: c.1081A>G on transcript NM_001754.5 (MANE Select); coding-DNA position 1081, A replaced by G.
Protein change: p.Thr361Ala; replaces threonine 361 with alanine.
Molecular consequence: missense variant.
Genome position (GRCh38, 1-based): chr21:34,792,497, T>C on the plus strand (A>G on the coding strand, the complement: RUNX1 is on the minus strand). VCF-style: chr21-34792497-T-C. GRCh37 (hg19) VCF-style: chr21-36164794-T-C.
Other names: c.1000A>G, p.Thr334Ala (NM_001001890.3); short protein forms T334A, T361A.
Identifiers: ClinVar variation 5028599 (VCV005028599.1).
Genomic context (GRCh38, chr21:34,792,497, plus strand): 5'-GGTAGGTGTGGTAGCGCGTGGCCGAGCCCATGGCCGACATGCCGATGCCGATGCCCGAGG[T>C]GACCGGCGTCGGGGAGTAGGTGAAGGCGCCTGGATAGTGCATGCGGGGGTCGGAGATGGA-3'
Protein context (NP_001745.2, residues 351-371): GAFTYSPTPV[Thr361Ala]SGIGIGMSAM

ClinVar aggregate classification (germline): Uncertain significance (1 of 4 stars; one submission).

Conditions:
Inborn genetic diseases. Identifiers: MedGen C0950123, MeSH D030342.

gnomAD v4.1: 2 of 1,596,220 alleles (0.00013%); highest among the groups gnomAD compares: South Asian, 0.0023%; no homozygotes.

Submission:

Ambry Genetics
Classification: Uncertain significance for Inborn genetic diseases. Last evaluated: 2026-08-08. Review status: criteria provided, single submitter. Criteria: Ambry Variant Classification Scheme 2023. Collection method: clinical testing. Allele origin: germline.
Comment: The p.T361A variant (also known as c.1081A>G), located in coding exon 8 of the RUNX1 gene, results from an A to G substitution at nucleotide position 1081. The threonine at codon 361 is replaced by alanine, an amino acid with similar properties. This amino acid position is conserved. In addition, this alteration is predicted to be tolerated by in silico analysis. Based on the available evidence, the clinical significance of this variant remains unclear.